The following is an entry in ClinVar:

NM_021800.3(DNAJC12):c.410_413del (p.Lys137fs)

Gene: DNAJC12 (DnaJ heat shock protein family (Hsp40) member C12; minus strand). Cytogenetic location: 10q21.3.
Variant type: Microsatellite.
Coding change: c.410_413del on transcript NM_021800.3 (MANE Select); coding-DNA positions 410 to 413, 4 bases deleted (AAGA; older notation c.410_413delAAGA).
Protein change: p.Lys137fs; shifts the reading frame from lysine 137.
Molecular consequence: frameshift variant.
Genome position (GRCh38, 1-based): chr10:67,805,672-67,805,675, TCTT deleted on the plus strand (AAGA on the coding strand, the reverse complement: DNAJC12 is on the minus strand); deleting any 4 consecutive bases within chr10:67,805,672-67,805,686 gives the same sequence; the c. name uses the placement nearest the transcript's 3' end. VCF-style (leftmost placement, unchanged base first): chr10-67805671-CTCTT-C. GRCh37 (hg19) VCF-style: chr10-69565429-CTCTT-C.
Other names: NM_021800.3(DNAJC12):c.410_413del; p.Lys137fs; c.410_413delAAGA (NM_021800.2); short protein forms K137fs.
Identifiers: ClinVar variation 1185914 (VCV001185914.12), dbSNP rs1443792358, ClinGen allele CA594256586.
Genomic context (GRCh38, chr10:67,805,671, plus strand): 5'-TGACTTCTCTAGGGGCTTGGGTTCTTTCTGCTCCGTTTTCTCTGCGGTTGAAGCCAGCTC[CTCTT>C]TCTTTCTTTCTCTTTGCTCATTACATTCCTCATTTTCCATCTTGGTGGTATGAGTCTTGT-3'

ClinVar aggregate classification (germline): Pathogenic/Likely pathogenic. Review status: criteria provided, multiple submitters, no conflicts (2 of 4 stars). 4 submissions from 4 submitters: Pathogenic (1); Likely pathogenic (3). Last evaluated 2025-04-15.

Conditions:
Hyperphenylalaninemia due to DNAJC12 deficiency. Also called: Hyperphenylalaninemia, mild, non-bh4-deficient. Identifiers: Orphanet 508523, MedGen C4479270, MONDO:0044304, OMIM 617384.

Submissions (4):

GeneDx
Classification: Likely pathogenic. Last evaluated: 2025-04-15. Review status: criteria provided, single submitter. Criteria: GeneDx Variant Classification Process June 2021. Collection method: clinical testing. Allele origin: germline. Affected: yes.
Comment: Frameshift variant predicted to result in abnormal protein length as the last 62 amino acids are replaced with 17 different amino acids, and other similar variants have been reported in HGMD and in the published literature (PMID: 30626930); Not observed at significant frequency in large population cohorts (gnomAD); Has not been previously published as pathogenic or benign to our knowledge

Labcorp Genetics (formerly Invitae), Labcorp
Classification: Pathogenic. Last evaluated: 2024-05-15. Review status: criteria provided, single submitter. Criteria: Invitae Variant Classification Sherloc (09022015). Collection method: clinical testing. Allele origin: germline.
Comment: This sequence change creates a premature translational stop signal (p.Lys137Argfs*18) in the DNAJC12 gene. While this is not anticipated to result in nonsense mediated decay, it is expected to disrupt the last 62 amino acid(s) of the DNAJC12 protein. This variant is not present in population databases (gnomAD no frequency). This variant has not been reported in the literature in individuals affected with DNAJC12-related conditions. ClinVar contains an entry for this variant (Variation ID: 1185914). This variant disrupts a region of the DNAJC12 protein in which other variant(s) (p.Trp175*) have been determined to be pathogenic (PMID: 30626930, 32333439). This suggests that this is a clinically significant region of the protein, and that variants that disrupt it are likely to be disease-causing. For these reasons, this variant has been classified as Pathogenic.

Broad Center for Mendelian Genomics, Broad Institute of MIT and Harvard
Classification: Likely pathogenic for Hyperphenylalaninemia due to DNAJC12 deficiency. Last evaluated: 2023-01-25. Review status: criteria provided, single submitter. Criteria: ACMG Guidelines, 2015. Collection method: curation. Allele origin: germline. Inheritance: Autosomal recessive inheritance.
Comment: The p.Lys137ArgfsTer18 variant in DNAJC12 has not been previously reported in individuals with hyperphenylalanemia due to DNAJC12 deficiency but has been identified in 0.0015% (1/68018) of European (non-Finnish) chromosomes by the Genome Aggregation Database (gnomAD; dbSNP ID: rs1443792358). Although this variant has been seen in the general population in a heterozygous state, its frequency is low enough to be consistent with a recessive carrier frequency. This variant has also been reported in ClinVar (Variation ID: 1185914) and has been interpreted as likely pathogenic by GeneDx and PerkinElmer Genomics. This variant is predicted to cause a frameshift, which alters the protein‚Äôs amino acid sequence beginning at position 137 and leads to a premature termination codon 18 amino acids downstream. This termination codon occurs within the terminal 50 bases of the second to last exon and is more likely to escape nonsense mediated decay (NMD) and result in a truncated protein. Loss of function of the DNAJC12 gene is an stablished disease mechanism in autosomal recessive hyperphenylalanemia due to DNAJC12 deficiency. In summary, although additional studies are required to fully establish its clinical significance, this variant is likely pathogenic for autosomal recessive autosomal recessive hyperphenylalanemia due to DNAJC12 deficiency. ACMG/AMP Criteria applied: PVS1_Strong, PM2_Supporting, PM3_Supporting (Richards 2015).

Revvity Omics, Revvity
Classification: Likely pathogenic. Last evaluated: 2021-03-06. Review status: criteria provided, single submitter. Criteria: ACMG Guidelines, 2015. Collection method: clinical testing. Allele origin: germline.

Literature cited by the submitters: PubMed 30626930 (cited by Labcorp Genetics (formerly Invitae), Labcorp); PubMed 32333439 (cited by Labcorp Genetics (formerly Invitae), Labcorp).